The following is an entry in ClinVar:

ClinVar aggregate classification (germline): Uncertain significance. Review status: criteria provided, multiple submitters, no conflicts (2 of 4 stars). 3 submissions from 3 submitters: Uncertain significance (3). Last evaluated 2026-02-01.

Conditions:
Hereditary cancer-predisposing syndrome. Also called: Hereditary neoplastic syndrome; Neoplastic Syndromes, Hereditary; Tumor predisposition; Hereditary Cancer Syndrome. Identifiers: Orphanet 140162, MedGen C0027672, MeSH D009386, MONDO:0015356.

Allele frequency attached by ClinVar (database versions not stated): gnomAD exomes 0.00001 and 0.00002; TOPMed 0.00001; ExAC 0.00003; ESP Exome Variant Server 0.00008.
gnomAD v4.1: 11 of 1,613,672 alleles (0.00068%); highest among the groups gnomAD compares: South Asian, 0.0011%; no homozygotes.

Submissions (3):

Labcorp Genetics (formerly Invitae), Labcorp
Classification: Uncertain significance. Last evaluated: 2026-02-01. Review status: criteria provided, single submitter. Criteria: Invitae Variant Classification Sherloc (09022015). Collection method: clinical testing. Allele origin: germline.
Comment: This sequence change replaces glycine, which is neutral and non-polar, with arginine, which is basic and polar, at codon 1924 of the POLE protein (p.Gly1924Arg). This variant is present in population databases (rs371862779, gnomAD 0.005%). This variant has not been reported in the literature in individuals affected with POLE-related conditions. ClinVar contains an entry for this variant (Variation ID: 246404). Invitae Evidence Modeling of protein sequence and biophysical properties (such as structural, functional, and spatial information, amino acid conservation, physicochemical variation, residue mobility, and thermodynamic stability) indicates that this missense variant is expected to disrupt POLE protein function with a positive predictive value of 80%. In summary, the available evidence is currently insufficient to determine the role of this variant in disease. Therefore, it has been classified as a Variant of Uncertain Significance.

Ambry Genetics
Classification: Uncertain significance for Hereditary cancer-predisposing syndrome. Last evaluated: 2025-02-14. Review status: criteria provided, single submitter. Criteria: Ambry Variant Classification Scheme 2023. Collection method: clinical testing. Allele origin: germline.
Comment: The p.G1924R variant (also known as c.5770G>A), located in coding exon 42 of the POLE gene, results from a G to A substitution at nucleotide position 5770. The glycine at codon 1924 is replaced by arginine, an amino acid with dissimilar properties. This amino acid position is highly conserved in available vertebrate species. In addition, this alteration is predicted to be deleterious by in silico analysis. Based on the available evidence, the clinical significance of this variant remains unclear.

GeneDx
Classification: Uncertain significance. Last evaluated: 2023-05-16. Review status: criteria provided, single submitter. Criteria: GeneDx Variant Classification Process June 2021. Collection method: clinical testing. Allele origin: germline. Affected: yes.
Comment: In silico analysis supports that this missense variant has a deleterious effect on protein structure/function; Has not been previously published as pathogenic or benign to our knowledge

NM_006231.4(POLE):c.5770G>A (p.Gly1924Arg)

Gene: POLE (DNA polymerase epsilon, catalytic subunit; minus strand). Cytogenetic location: 12q24.33.
Variant type: single nucleotide variant.
Coding change: c.5770G>A on transcript NM_006231.4 (MANE Select); coding-DNA position 5770, G replaced by A.
Protein change: p.Gly1924Arg; replaces glycine 1924 with arginine.
Molecular consequence: missense variant.
Genome position (GRCh38, 1-based): chr12:132,635,933, C>T on the plus strand (G>A on the coding strand, the complement: POLE is on the minus strand). VCF-style: chr12-132635933-C-T. GRCh37 (hg19) VCF-style: chr12-133212519-C-T.
Other names: short protein forms G1924R.
Identifiers: ClinVar variation 246404 (VCV000246404.14), dbSNP rs371862779, ClinGen allele CA6892400.